The following is an entry in ClinVar:

ClinVar aggregate classification (germline): Likely benign. Review status: criteria provided, multiple submitters, no conflicts (2 of 4 stars). 5 submissions from 5 submitters: Likely benign (5). Last evaluated 2025-11-01.

Conditions:
Cardiovascular phenotype. Identifiers: MedGen CN230736.
Cardiomyopathy (CMYO). Also called: Cardiomyopathies. Identifiers: Orphanet 167848, MedGen C0878544, MONDO:0004994, HP:0001638. Inheritance: Various modes of inheritance.
Arrhythmogenic right ventricular dysplasia 11. Also called: Arrhythmogenic Right Ventricular Dysplasia/Cardiomyopathy11; ARRHYTHMOGENIC RIGHT VENTRICULAR DYSPLASIA, FAMILIAL, 11; Arrhythmogenic right ventricular dysplasia 11 with mild palmoplantar keratoderma and woolly hair. Identifiers: MedGen C1864850, MONDO:0012506, OMIM 610476.
Familial isolated arrhythmogenic right ventricular dysplasia. Identifiers: Orphanet 217656, MedGen C4274968, MONDO:0016342.

Allele frequency attached by ClinVar (database versions not stated): gnomAD exomes 0.00001 and below 0.00001; TOPMed below 0.00001.
gnomAD v4.1: 2 of 1,613,810 alleles (0.00012%); highest among the groups gnomAD compares: Admixed American, 0.0033%; no homozygotes.

Submissions (5):

Mayo Clinic Laboratories, Mayo Clinic
Classification: Likely benign. Last evaluated: 2025-11-01. Review status: criteria provided, single submitter. Criteria: ACMG Guidelines, 2015. Collection method: clinical testing. Allele origin: germline. Observed: 1 variant allele.
Comment: BP4, BP7, PM2_supporting

Labcorp Genetics (formerly Invitae), Labcorp
Classification: Likely benign for Arrhythmogenic right ventricular dysplasia 11. Last evaluated: 2024-11-27. Review status: criteria provided, single submitter. Criteria: Invitae Variant Classification Sherloc (09022015). Collection method: clinical testing. Allele origin: germline.

All of Us Research Program, National Institutes of Health
Classification: Likely benign for Familial isolated arrhythmogenic right ventricular dysplasia. Last evaluated: 2023-08-15. Review status: criteria provided, single submitter. Criteria: ACMG Guidelines, 2015. Collection method: clinical testing. Allele origin: germline. Inheritance: Autosomal dominant inheritance. Observed: 3 variant alleles, 3 heterozygotes.
Comment: This study involves interpretation of variants in research participants for the purpose of population health screening. Participant phenotype was not available at the time of variant classification. Additional details can be found in publication PMID: 35346344, PMCID: PMC8962531

Color Diagnostics, LLC DBA Color Health
Classification: Likely benign for Cardiomyopathy. Last evaluated: 2018-11-27. Review status: criteria provided, single submitter. Criteria: ACMG Guidelines, 2015. Collection method: clinical testing. Allele origin: germline.

Ambry Genetics
Classification: Likely benign for Cardiovascular phenotype. Last evaluated: 2015-08-05. Review status: criteria provided, single submitter. Criteria: Ambry Variant Classification Scheme 2023. Collection method: clinical testing. Allele origin: germline.

NM_024422.6(DSC2):c.2244C>T (p.Asp748=)

Gene: DSC2 (desmocollin 2; minus strand). Cytogenetic location: 18q12.1.
Variant type: single nucleotide variant.
Coding change: c.2244C>T on transcript NM_024422.6 (MANE Select); coding-DNA position 2244, C replaced by T.
Protein change: p.Asp748=; no amino-acid change (aspartic acid 748 retained).
Molecular consequence: synonymous variant.
Genome position (GRCh38, 1-based): chr18:31,070,732, G>A on the plus strand (C>T on the coding strand, the complement: DSC2 is on the minus strand). VCF-style: chr18-31070732-G-A. GRCh37 (hg19) VCF-style: chr18-28650698-G-A.
Other names: p.Asp748=; c.2244C>T, p.Asp748= (NM_004949.5).
Identifiers: ClinVar variation 264255 (VCV000264255.19), dbSNP rs886039103, ClinGen allele CA10587907.